The following is an entry in ClinVar:

NM_001005361.3(DNM2):c.2543+5G>C

Gene: DNM2 (dynamin 2; plus strand). Cytogenetic location: 19p13.2.
Variant type: single nucleotide variant.
Coding change: c.2543+5G>C on transcript NM_001005361.3 (MANE Select); 5 bases into the intron after coding-DNA position 2543, G replaced by C.
Molecular consequence: intron variant.
Genome position (GRCh38, 1-based): chr19:10,830,383, G>C. VCF-style: chr19-10830383-G-C. GRCh37 (hg19) VCF-style: chr19-10941059-G-C.
Other names: c.2543+5G>C (NM_001005360.3, NM_001190716.2); c.2531+5G>C (NM_004945.4, NM_001005362.3).
Identifiers: ClinVar variation 834619 (VCV000834619.7), dbSNP rs2073295708, ClinGen allele CA916083656.

ClinVar aggregate classification (germline): Uncertain significance (1 of 4 stars; one submission).

Conditions:
Charcot-Marie-Tooth disease dominant intermediate B (CMTDIB). Also called: Charcot-Marie-Tooth disease dominant intermediate 1; CMT DI1; Charcot-Marie-Tooth disease dominant intermediate I; CHARCOT-MARIE-TOOTH NEUROPATHY, DOMINANT INTERMEDIATE B. Identifiers: Orphanet 100044, Orphanet 228179, MedGen C1847902, MONDO:0011674, OMIM 606482.

Submission:

Labcorp Genetics (formerly Invitae), Labcorp
Classification: Uncertain significance for Charcot-Marie-Tooth disease dominant intermediate B. Last evaluated: 2019-12-13. Review status: criteria provided, single submitter. Criteria: Invitae Variant Classification Sherloc (09022015). Collection method: clinical testing. Allele origin: germline.
Comment: Nucleotide substitutions within the consensus splice site are a relatively common cause of aberrant splicing (PMID: 17576681, 9536098). Algorithms developed to predict the effect of sequence changes on RNA splicing suggest that this variant is not likely to affect RNA splicing, but this prediction has not been confirmed by published transcriptional studies. This sequence change falls in intron 20 of the DNM2 gene. It does not directly change the encoded amino acid sequence of the DNM2 protein, but it affects a nucleotide within the consensus splice site of the intron. This variant is not present in population databases (ExAC no frequency). This variant has not been reported in the literature in individuals with DNM2-related conditions. In summary, the available evidence is currently insufficient to determine the role of this variant in disease. Therefore, it has been classified as a Variant of Uncertain Significance.

Literature cited by the submitters: PubMed 17576681; PubMed 9536098.